The following is an entry in ClinVar:

NM_000868.4(HTR2C):c.1230G>A (p.Glu410=)

Genes: HTR2C (5-hydroxytryptamine receptor 2C; plus strand), LOC126863306 (MED14-independent group 3 enhancer GRCh37_chrX:114140926-114142125; plus strand). Cytogenetic location: Xq23.
Variant type: single nucleotide variant.
Coding change: c.1230G>A on transcript NM_000868.4 (MANE Select); coding-DNA position 1230, G replaced by A.
Protein change: p.Glu410=; no amino-acid change (glutamic acid 410 retained).
Molecular consequence: synonymous variant. On other transcripts: 3 prime UTR variant (1).
Genome position (GRCh38, 1-based): chrX:114,907,268, G>A. VCF-style: chrX-114907268-G-A. GRCh37 (hg19) VCF-style: chrX-114141831-G-A.
Other names: c.1230G>A, p.Glu410= (NM_001256760.3); c.*388G>A (NM_001256761.3).
Identifiers: ClinVar variation 3061723 (VCV003061723.2), dbSNP rs200550483, ClinGen allele CA10495566.
Genomic context (GRCh38, chrX:114,907,268, plus strand): 5'-GAAAAAGCCTCCTGTCAGGCAGATTCCAAGAGTTGCCGCCACTGCTTTGTCTGGGAGGGA[G>A]CTTAATGTTAACATTTATCGGCATACCAATGAACCGGTGATCGAGAAAGCCAGTGACAAT-3'
Protein context (NP_000859.2, residues 400-420): RVAATALSGR[Glu410=]LNVNIYRHTN

ClinVar aggregate classification (germline): Likely benign (0 of 4 stars; one submission).

Conditions:
HTR2C-related disorder. Also called: HTR2C-related condition.

Allele frequency attached by ClinVar (database versions not stated): TOPMed below 0.00001; ExAC 0.00001; gnomAD 0.00001.
gnomAD v4.1: 10 of 1,209,390 alleles (0.00083%); highest among the groups gnomAD compares: Non-Finnish European, 0.001%; no homozygotes.

Submission:

PreventionGenetics, part of Exact Sciences
Classification: Likely benign for HTR2C-related condition. Last evaluated: 2022-11-09. Review status: no assertion criteria provided. Collection method: clinical testing. Allele origin: germline.
Comment: This variant is classified as likely benign based on ACMG/AMP sequence variant interpretation guidelines (Richards et al. 2015 PMID: 25741868, with internal and published modifications).